The following is an entry in ClinVar:

NM_000540.3(RYR1):c.14712C>A (p.Asp4904Glu)

Gene: RYR1 (ryanodine receptor 1; plus strand). Cytogenetic location: 19q13.2.
Variant type: single nucleotide variant.
Coding change: c.14712C>A on transcript NM_000540.3 (MANE Select); coding-DNA position 14712, C replaced by A.
Protein change: p.Asp4904Glu; replaces aspartic acid 4904 with glutamic acid.
Molecular consequence: missense variant.
Genome position (GRCh38, 1-based): chr19:38,585,008, C>A. VCF-style: chr19-38585008-C-A. GRCh37 (hg19) VCF-style: chr19-39075648-C-A.
Other names: c.14697C>A, p.Asp4899Glu (NM_001042723.2); short protein forms D4899E, D4904E.
Identifiers: ClinVar variation 3385632 (VCV003385632.1).

ClinVar aggregate classification (germline): Uncertain significance (1 of 4 stars; one submission).

Conditions:
Malignant hyperthermia, susceptibility to, 1 (MHS1). Also called: Anesthesia related hyperthermia; Malignant hyperpyrexia; Fulminating hyperpyrexia; Pharmacogenic myopathy; Malignant hyperthermia suceptibility 1; RYR1-Related Malignant Hyperthermia Susceptibility. Identifiers: Orphanet 423, MedGen C2930980, MONDO:0007783, OMIM 145600.

Submission:

All of Us Research Program, National Institutes of Health
Classification: Uncertain significance for Malignant hyperthermia, susceptibility to, 1. Last evaluated: 2024-02-22. Review status: criteria provided, single submitter. Criteria: ACMG Guidelines, 2015. Collection method: clinical testing. Allele origin: germline. Inheritance: Autosomal dominant inheritance. Observed: 1 variant allele, 1 heterozygote.
Comment: This missense variant replaces aspartic acid with glutamic acid at codon 4904 of the RYR1 protein. Computational prediction is inconclusive regarding the impact of this variant on protein structure and function (internally defined REVEL score threshold 0.5 < inconclusive < 0.7, PMID: 27666373). To our knowledge, functional studies have not been reported for this variant. This variant has not been reported in individuals affected with RYR1-related disorders in the literature. This variant has not been identified in the general population by the Genome Aggregation Database (gnomAD). The available evidence is insufficient to determine the role of this variant in disease conclusively. Therefore, this variant is classified as a Variant of Uncertain Significance.

This study involves interpretation of variants in research participants for the purpose of population health screening. Participant phenotype was not available at the time of variant classification. Additional details can be found in publication PMID: 35346344, PMCID: PMC8962531